The following is an entry in ClinVar:

NM_170601.5(SIAE):c.873C>T (p.Cys291=)

Gene: SIAE (sialic acid acetylesterase; minus strand). Cytogenetic location: 11q24.2.
Variant type: single nucleotide variant.
Coding change: c.873C>T on transcript NM_170601.5 (MANE Select); coding-DNA position 873, C replaced by T.
Protein change: p.Cys291=; no amino-acid change (cysteine 291 retained).
Molecular consequence: synonymous variant.
Genome position (GRCh38, 1-based): chr11:124,647,458, G>A on the plus strand (C>T on the coding strand, the complement: SIAE is on the minus strand). VCF-style: chr11-124647458-G-A. GRCh37 (hg19) VCF-style: chr11-124517354-G-A.
Other names: c.768C>T, p.Cys256= (NM_001199922.2).
Identifiers: ClinVar variation 3037277 (VCV003037277.3), dbSNP rs1053493893, ClinGen allele CA230390303.
Genomic context (GRCh38, chr11:124,647,458, plus strand): 5'-CTGCCCCTGGGAACCACGGTGGAAGGTTTCACGCCAGTCTTCGATGAGTGCAGGGAATGT[G>A]CAATTGTACAGATCCGTGTTATAATTTATATTGGACTCCCCTAAAAACAGTCCAAATTGT-3'
Protein context (NP_733746.1, residues 281-301): NINYNTDLYN[Cys291=]TFPALIEDWR

ClinVar aggregate classification (germline): Likely benign. Review status: criteria provided, single submitter (1 of 4 stars). 2 submissions from 2 submitters: Likely benign (1). 1 of the submissions does not count toward it. Last evaluated 2025-03-26.

Conditions:
SIAE-related disorder. Also called: SIAE-related condition.

Allele frequency attached by ClinVar (database versions not stated): gnomAD 0.00002; gnomAD exomes 0.00002; TOPMed 0.00004.
gnomAD v4.1: 26 of 1,614,076 alleles (0.0016%); highest among the groups gnomAD compares: Non-Finnish European, 0.002%; no homozygotes.

Submissions (2):

Labcorp Genetics (formerly Invitae), Labcorp
Classification: Likely benign. Last evaluated: 2025-03-26. Review status: criteria provided, single submitter. Criteria: Invitae Variant Classification Sherloc (09022015). Collection method: clinical testing. Allele origin: germline.

PreventionGenetics, part of Exact Sciences
Classification: Likely benign for SIAE-related condition. Last evaluated: 2019-05-08. Review status: no assertion criteria provided. Collection method: clinical testing. Allele origin: germline. Not counted in ClinVar's aggregate classification.
Comment: This variant is classified as likely benign based on ACMG/AMP sequence variant interpretation guidelines (Richards et al. 2015 PMID: 25741868, with internal and published modifications).